The following is an entry in ClinVar:

NM_006218.4(PIK3CA):c.2775C>A (p.Asp925Glu)

Gene: PIK3CA (phosphatidylinositol-4,5-bisphosphate 3-kinase catalytic subunit alpha; plus strand). Cytogenetic location: 3q26.32.
Variant type: single nucleotide variant.
Coding change: c.2775C>A on transcript NM_006218.4 (MANE Select); coding-DNA position 2775, C replaced by A.
Protein change: p.Asp925Glu; replaces aspartic acid 925 with glutamic acid.
Molecular consequence: missense variant.
Genome position (GRCh38, 1-based): chr3:179,230,112, C>A. VCF-style: chr3-179230112-C-A. GRCh37 (hg19) VCF-style: chr3-178947900-C-A.
Other names: short protein forms D925E.
Identifiers: ClinVar variation 5026692 (VCV005026692.1).

ClinVar aggregate classification (germline): Uncertain significance (1 of 4 stars; one submission).

Conditions:
Inborn genetic diseases. Identifiers: MedGen C0950123, MeSH D030342.

Submission:

Ambry Genetics
Classification: Uncertain significance for Inborn genetic diseases. Last evaluated: 2026-07-19. Review status: criteria provided, single submitter. Criteria: Ambry Variant Classification Scheme 2023. Collection method: clinical testing. Allele origin: germline.
Comment: The p.D925E variant (also known as c.2775C>A), located in coding exon 18 of the PIK3CA gene, results from a C to A substitution at nucleotide position 2775. The aspartic acid at codon 925 is replaced by glutamic acid, an amino acid with highly similar properties. This amino acid position is conserved. In addition, this alteration is predicted to be tolerated by in silico analysis. Based on the available evidence, the clinical significance of this variant remains unclear.